The following is an entry in ClinVar:

ClinVar aggregate classification (germline): Uncertain significance (1 of 4 stars; one submission).

Submission:

Ambry Genetics
Classification: Uncertain significance. Last evaluated: 2025-01-27. Review status: criteria provided, single submitter. Criteria: Ambry Variant Classification Scheme 2023. Collection method: clinical testing. Allele origin: germline.
Comment: The p.Q775R variant (also known as c.2324A>G), located in coding exon 15 of the RINT1 gene, results from an A to G substitution at nucleotide position 2324. The glutamine at codon 775 is replaced by arginine, an amino acid with highly similar properties. This amino acid position is conserved. In addition, this alteration is predicted to be tolerated by in silico analysis. Based on the available evidence, the clinical significance of this variant remains unclear.

NM_021930.6(RINT1):c.2324A>G (p.Gln775Arg)

Genes: EFCAB10 (EF-hand calcium binding domain 10; minus strand), RINT1 (RAD50 interactor 1; plus strand). Cytogenetic location: 7q22.3.
Variant type: single nucleotide variant.
Coding change: c.2324A>G on transcript NM_021930.6 (MANE Select); coding-DNA position 2324, A replaced by G.
Protein change: p.Gln775Arg; replaces glutamine 775 with arginine.
Molecular consequence: missense variant. On other transcripts: 3 prime UTR variant (2), non-coding transcript variant (1), intron variant (3).
Genome position (GRCh38, 1-based): chr7:105,567,256, A>G. VCF-style: chr7-105567256-A-G. GRCh37 (hg19) VCF-style: chr7-105207703-A-G.
Other names: c.*198T>C (NM_001355527.2, NM_001355529.2); c.2090A>G, p.Gln697Arg (NM_001346599.2); c.1301A>G, p.Gln434Arg (NM_001346600.2, NM_001346603.2); c.1400A>G, p.Gln467Arg (NM_001346601.2); c.360-1809T>C (NM_001355531.2); c.383+211T>C (NM_001355526.2, NM_001355530.2); short protein forms Q467R, Q434R, Q697R, Q775R.
Identifiers: ClinVar variation 3789225 (VCV003789225.1).